The following is an entry in ClinVar:

ClinVar aggregate classification (germline): Likely pathogenic (1 of 4 stars; one submission).

Conditions:
Acute myeloid leukemia (AML). Also called: Acute myeloid leukemia, adult; AML adult; Acute non-lymphocytic leukemia; Acute granulocytic leukemia; Leukemia, acute myelogenous, somatic; Leukemia, acute myeloid, somatic. Identifiers: Orphanet 519, MedGen C0023467, MeSH D015470, MONDO:0018874, OMIM 601626, HP:0004808. Disease mechanism: Constitutively activated FLT3.

Submission:

3billion
Classification: Likely pathogenic for Acute myeloid leukemia. Review status: criteria provided, single submitter. Criteria: ACMG Guidelines, 2015. Collection method: clinical testing. Allele origin: unknown. Affected: yes. Observed: 1 heterozygote.
Comment: The variant is not observed in the gnomAD v2.1.1 dataset. The variant is located in a mutational hot spot and/or well-established functional domain in which established pathogenic variants have been reported. Missense changes are a common disease-causing mechanism. In silico tool predictions suggest damaging effect of the variant on gene or gene product (REVEL: 0.73). Therefore, this variant is classified as Likely pathogenic according to the recommendation of ACMG/AMP guideline.

NM_004119.3(FLT3):c.2533A>G (p.Arg845Gly)

Gene: FLT3 (fms related receptor tyrosine kinase 3; minus strand). Cytogenetic location: 13q12.2.
Variant type: single nucleotide variant.
Coding change: c.2533A>G on transcript NM_004119.3 (MANE Select); coding-DNA position 2533, A replaced by G.
Protein change: p.Arg845Gly; replaces arginine 845 with glycine.
Molecular consequence: missense variant. On other transcripts: non-coding transcript variant (1).
Genome position (GRCh38, 1-based): chr13:28,018,475, T>C on the plus strand (A>G on the coding strand, the complement: FLT3 is on the minus strand). VCF-style: chr13-28018475-T-C. GRCh37 (hg19) VCF-style: chr13-28592612-T-C.
Other names: short protein forms R845G.
Identifiers: ClinVar variation 2572500 (VCV002572500.1), dbSNP rs2137622655, ClinGen allele CA387650144.